The following is an entry in ClinVar:

ClinVar aggregate classification (germline): Benign. Review status: criteria provided, multiple submitters, no conflicts (2 of 4 stars). 2 submissions from 2 submitters: Benign (2). Last evaluated 2018-06-14.

Allele frequency attached by ClinVar (database versions not stated): 1000 Genomes Project 0.39696; 1000 Genomes Project 30x 0.40568; gnomAD 0.44104; TOPMed 0.45044.
gnomAD v4.1: 303,481 of 752,110 alleles (40%); highest among the groups gnomAD compares: African/African-American, 63%; 65,018 homozygotes.

Submissions (2):

GeneDx
Classification: Benign. Last evaluated: 2018-06-14. Review status: criteria provided, single submitter. Criteria: GeneDx Variant Classification (06012015). Collection method: clinical testing. Allele origin: germline. Affected: yes.
Comment: This variant is considered likely benign or benign based on one or more of the following criteria: it is a conservative change, it occurs at a poorly conserved position in the protein, it is predicted to be benign by multiple in silico algorithms, and/or has population frequency not consistent with disease.

Breakthrough Genomics
Classification: Benign. Review status: criteria provided, single submitter. Criteria: ACMG Guidelines, 2015. Collection method: not provided. Allele origin: germline. Inheritance: Autosomal recessive inheritance. Affected: yes.

NM_201384.3(PLEC):c.603-112T>G

Gene: PLEC (plectin; minus strand). Cytogenetic location: 8q24.3.
Variant type: single nucleotide variant.
Coding change: c.603-112T>G on transcript NM_201384.3 (MANE Select); 112 bases into the intron before coding-DNA position 603, T replaced by G.
Molecular consequence: intron variant.
Genome position (GRCh38, 1-based): chr8:143,935,425, A>C on the plus strand (T>G on the coding strand, the complement: PLEC is on the minus strand). VCF-style: chr8-143935425-A-C. GRCh37 (hg19) VCF-style: chr8-145009593-A-C.
Other names: c.684-112T>G (NM_000445.5); c.561-112T>G (NM_201378.4); c.537-112T>G (NM_201379.3); c.1014-112T>G (NM_201380.4); c.507-112T>G (NM_201381.3); c.603-112T>G (NM_201382.4); c.615-112T>G (NM_201383.3).
Identifiers: ClinVar variation 667892 (VCV000667892.2), dbSNP rs6983908, ClinGen allele CA12780810.